The following is an entry in ClinVar:

NM_001170535.3(ATAD3A):c.384C>T (p.Ala128=)

Gene: ATAD3A (ATPase family AAA domain containing 3A; plus strand). Cytogenetic location: 1p36.33.
Variant type: single nucleotide variant.
Coding change: c.384C>T on transcript NM_001170535.3 (MANE Select); coding-DNA position 384, C replaced by T.
Protein change: p.Ala128=; no amino-acid change (alanine 128 retained).
Molecular consequence: synonymous variant.
Genome position (GRCh38, 1-based): chr1:1,517,412, C>T. VCF-style: chr1-1517412-C-T. GRCh37 (hg19) VCF-style: chr1-1452792-C-T.
Other names: c.147C>T, p.Ala49= (NM_001170536.3); c.528C>T, p.Ala176= (NM_018188.5).
Identifiers: ClinVar variation 1176492 (VCV001176492.38), dbSNP rs763685989, ClinGen allele CA525698.

ClinVar aggregate classification (germline): Conflicting classifications of pathogenicity. Review status: criteria provided, conflicting classifications (1 of 4 stars). 2 submissions from 2 submitters: Uncertain significance (1); Likely benign (1). Last evaluated 2024-12-01.

Allele frequency attached by ClinVar (database versions not stated): gnomAD 0.00003 and 0.00004; gnomAD exomes 0.00011; ExAC 0.00059.

Submissions (2):

CeGaT Center for Human Genetics Tuebingen
Classification: Likely benign. Last evaluated: 2024-12-01. Review status: criteria provided, single submitter. Criteria: CeGaT Center For Human Genetics Tuebingen Variant Classification Criteria Version 2. Collection method: clinical testing. Allele origin: germline. Affected: yes. Observed: 2 variant alleles.
Comment: ATAD3A: BP4, BP7

Revvity Omics, Revvity
Classification: Uncertain significance. Last evaluated: 2019-11-11. Review status: criteria provided, single submitter. Criteria: ACMG Guidelines, 2015. Collection method: clinical testing. Allele origin: germline.